The following is an entry in ClinVar:

ClinVar aggregate classification (germline): Uncertain significance (1 of 4 stars; one submission).

gnomAD v4.1: 6 of 1,575,214 alleles (0.00038%); highest among the groups gnomAD compares: South Asian, 0.0023%; no homozygotes.

Submission:

Labcorp Genetics (formerly Invitae), Labcorp
Classification: Uncertain significance. Last evaluated: 2022-03-10. Review status: criteria provided, single submitter. Criteria: Invitae Variant Classification Sherloc (09022015). Collection method: clinical testing. Allele origin: germline.
Comment: This variant is not present in population databases (gnomAD no frequency). In summary, the available evidence is currently insufficient to determine the role of this variant in disease. Therefore, it has been classified as a Variant of Uncertain Significance. Variants that disrupt the consensus splice site are a relatively common cause of aberrant splicing (PMID: 17576681, 9536098). Algorithms developed to predict the effect of sequence changes on RNA splicing suggest that this variant is not likely to affect RNA splicing. This variant has not been reported in the literature in individuals affected with CLTC-related conditions. This sequence change falls in intron 29 of the CLTC gene. It does not directly change the encoded amino acid sequence of the CLTC protein. It affects a nucleotide within the consensus splice site.

Literature cited by the submitters: PubMed 17576681; PubMed 9536098.

NM_004859.4(CLTC):c.4605+4G>A

Genes: CLTC (clathrin heavy chain; plus strand), LOC125177523 (Sharpr-MPRA regulatory region 12460; plus strand). Cytogenetic location: 17q23.1.
Variant type: single nucleotide variant.
Coding change: c.4605+4G>A on transcript NM_004859.4 (MANE Select); 4 bases into the intron after coding-DNA position 4605, G replaced by A.
Molecular consequence: intron variant.
Genome position (GRCh38, 1-based): chr17:59,685,230, G>A. VCF-style: chr17-59685230-G-A. GRCh37 (hg19) VCF-style: chr17-57762591-G-A.
Other names: c.4617+4G>A (NM_001288653.2).
Identifiers: ClinVar variation 2108346 (VCV002108346.4), dbSNP rs2509157895, ClinGen allele CA2580094390.